The following is an entry in ClinVar:

NM_003764.4(STX11):c.146G>A (p.Arg49Gln)

Gene: STX11 (syntaxin 11; plus strand). Cytogenetic location: 6q24.2.
Variant type: single nucleotide variant.
Coding change: c.146G>A on transcript NM_003764.4 (MANE Select); coding-DNA position 146, G replaced by A.
Protein change: p.Arg49Gln; replaces arginine 49 with glutamine.
Molecular consequence: missense variant.
Genome position (GRCh38, 1-based): chr6:144,186,773, G>A. VCF-style: chr6-144186773-G-A. GRCh37 (hg19) VCF-style: chr6-144507910-G-A.
Other names: c.146G>A (LRG_113t1); short protein forms R49Q.
Identifiers: ClinVar variation 259161 (VCV000259161.25), dbSNP rs17073498, ClinGen allele CA4031636.

ClinVar aggregate classification (germline): Benign/Likely benign. Review status: criteria provided, multiple submitters, no conflicts (2 of 4 stars). 10 submissions from 10 submitters: Benign (5); Likely benign (5). Last evaluated 2026-02-02.

Conditions:
Autoinflammatory syndrome. Identifiers: Orphanet 93665, MedGen C3890737, MONDO:0019751.
Familial hemophagocytic lymphohistiocytosis 4 (FHL4). Also called: STX11-Related Familial Hemophagocytic Lymphohistiocytosis (STX11-fHLH). Identifiers: Orphanet 540, MedGen C1863728, MONDO:0011336, OMIM 603552.

Allele frequency attached by ClinVar (database versions not stated): gnomAD exomes 0.00265 and 0.00749; ESP Exome Variant Server 0.00477; ExAC 0.00757; gnomAD 0.00767 and 0.00814; TOPMed 0.00838; 1000 Genomes Project 30x 0.01827; 1000 Genomes Project 0.01997.

Submissions (10):

Labcorp Genetics (formerly Invitae), Labcorp
Classification: Benign for Familial hemophagocytic lymphohistiocytosis 4. Last evaluated: 2026-02-02. Review status: criteria provided, single submitter. Criteria: Invitae Variant Classification Sherloc (09022015). Collection method: clinical testing. Allele origin: germline.

Genomic Medicine Center of Excellence, King Faisal Specialist Hospital and Research Centre
Classification: Likely benign. Last evaluated: 2025-08-18. Review status: criteria provided, single submitter. Criteria: ACMG Guidelines, 2015. Collection method: clinical testing. Allele origin: germline.

Blueprint Genetics
Classification: Likely benign. Last evaluated: 2024-11-26. Review status: criteria provided, single submitter. Criteria: ACMG Guidelines, 2015. Collection method: clinical testing. Allele origin: germline.

Mayo Clinic Laboratories, Mayo Clinic
Classification: Benign. Last evaluated: 2024-07-06. Review status: criteria provided, single submitter. Criteria: ACMG Guidelines, 2015. Collection method: clinical testing. Allele origin: germline. Observed: 7 variant alleles.

Fulgent Genetics
Classification: Likely benign for Familial hemophagocytic lymphohistiocytosis 4. Last evaluated: 2022-04-07. Review status: criteria provided, single submitter. Criteria: ACMG Guidelines, 2015. Collection method: clinical testing. Allele origin: unknown.

Genome Diagnostics Laboratory, The Hospital for Sick Children
Classification: Benign for Autoinflammatory syndrome. Last evaluated: 2022-02-23. Review status: criteria provided, single submitter. Criteria: ACMG Guidelines, 2015. Collection method: clinical testing. Allele origin: germline. Affected: yes.

Women's Health and Genetics/Laboratory Corporation of America, LabCorp
Classification: Likely benign. Last evaluated: 2022-02-18. Review status: criteria provided, single submitter. Criteria: LabCorp Variant Classification Summary - May 2015. Collection method: clinical testing. Allele origin: germline.

Illumina Laboratory Services, Illumina
Classification: Benign for Familial hemophagocytic lymphohistiocytosis 4. Last evaluated: 2018-01-13. Review status: criteria provided, single submitter. Criteria: ICSL Variant Classification Criteria 13 December 2019. Collection method: clinical testing. Allele origin: germline.
Comment: This variant was observed in the ICSL laboratory as part of a predisposition screen in an ostensibly healthy population. It had not been previously curated by ICSL or reported in the Human Gene Mutation Database (HGMD: prior to June 1st, 2018), and was therefore a candidate for classification through an automated scoring system. Utilizing variant allele frequency, disease prevalence and penetrance estimates, and inheritance mode, an automated score was calculated to assess if this variant is too frequent to cause the disease. Based on the score and internal cut-off values, a variant classified as benign is not then subjected to further curation. The score for this variant resulted in a classification of benign for this disease.

Breakthrough Genomics
Classification: Likely benign. Review status: criteria provided, single submitter. Criteria: ACMG Guidelines, 2015. Collection method: not provided. Allele origin: germline. Inheritance: Autosomal recessive inheritance. Affected: yes.

PreventionGenetics, part of Exact Sciences
Classification: Benign. Review status: criteria provided, single submitter. Criteria: ACMG Guidelines, 2015. Collection method: clinical testing. Allele origin: germline.